The following is an entry in ClinVar:

NM_001003787.4(STRADA):c.287A>G (p.Tyr96Cys)

Gene: STRADA (STE20 related adaptor alpha; minus strand). Cytogenetic location: 17q23.3.
Variant type: single nucleotide variant.
Coding change: c.287A>G on transcript NM_001003787.4 (MANE Select); coding-DNA position 287, A replaced by G.
Protein change: p.Tyr96Cys; replaces tyrosine 96 with cysteine.
Molecular consequence: missense variant. On other transcripts: non-coding transcript variant (1).
Genome position (GRCh38, 1-based): chr17:63,713,467, T>C on the plus strand (A>G on the coding strand, the complement: STRADA is on the minus strand). VCF-style: chr17-63713467-T-C. GRCh37 (hg19) VCF-style: chr17-61790827-T-C.
Other names: c.287A>G, p.Tyr96Cys (NM_001411085.1, NM_001363788.1, NM_001411083.1); c.176A>G, p.Tyr59Cys (NM_153335.6, NM_001003786.3, NM_001363789.1); c.113A>G, p.Tyr38Cys (NM_001003788.3, NM_001363790.1, NM_001363791.1); c.200A>G, p.Tyr67Cys (NM_001165969.2, NM_001363787.1, NM_001411084.1); c.155A>G, p.Tyr52Cys (NM_001165970.2); c.263A>G, p.Tyr88Cys (NM_001363786.1); short protein forms Y38C, Y52C, Y59C, Y67C, Y88C, Y96C.
Identifiers: ClinVar variation 1713341 (VCV001713341.5), dbSNP rs2511127049, ClinGen allele CA400593706.

ClinVar aggregate classification (germline): Uncertain significance (1 of 4 stars; one submission).

Conditions:
Polyhydramnios, megalencephaly, and symptomatic epilepsy (PMSE). Also called: PMSE SYNDROME. Identifiers: Orphanet 500533, MedGen C1970203, MONDO:0012611, OMIM 611087.

gnomAD v4.1: 1 of 1,614,266 alleles (0.000062%); no homozygotes.

Submission:

Labcorp Genetics (formerly Invitae), Labcorp
Classification: Uncertain significance for Polyhydramnios, megalencephaly, and symptomatic epilepsy. Last evaluated: 2022-10-17. Review status: criteria provided, single submitter. Criteria: Invitae Variant Classification Sherloc (09022015). Collection method: clinical testing. Allele origin: germline.
Comment: This variant has not been reported in the literature in individuals affected with STRADA-related conditions. Algorithms developed to predict the effect of missense changes on protein structure and function (SIFT, PolyPhen-2, Align-GVGD) all suggest that this variant is likely to be tolerated. In summary, the available evidence is currently insufficient to determine the role of this variant in disease. Therefore, it has been classified as a Variant of Uncertain Significance. This sequence change replaces tyrosine, which is neutral and polar, with cysteine, which is neutral and slightly polar, at codon 96 of the STRADA protein (p.Tyr96Cys). This variant is not present in population databases (gnomAD no frequency).